The following is an entry in ClinVar:

NM_006612.6(KIF1C):c.953G>A (p.Arg318His)

Genes: KIF1C (kinesin family member 1C; plus strand), LOC126862472 (CDK7 strongly-dependent group 2 enhancer GRCh37_chr17:4906716-4907915; plus strand). Cytogenetic location: 17p13.2.
Variant type: single nucleotide variant.
Coding change: c.953G>A on transcript NM_006612.6 (MANE Select); coding-DNA position 953, G replaced by A.
Protein change: p.Arg318His; replaces arginine 318 with histidine.
Molecular consequence: missense variant.
Genome position (GRCh38, 1-based): chr17:5,004,579, G>A. VCF-style: chr17-5004579-G-A. GRCh37 (hg19) VCF-style: chr17-4907874-G-A.
Other names: short protein forms R318H.
Identifiers: ClinVar variation 2061982 (VCV002061982.5), dbSNP rs776654539, ClinGen allele CA8318819.

ClinVar aggregate classification (germline): Uncertain significance. Review status: criteria provided, multiple submitters, no conflicts (2 of 4 stars). 2 submissions from 2 submitters: Uncertain significance (2). Last evaluated 2023-12-07.

Conditions:
Inborn genetic diseases. Identifiers: MedGen C0950123, MeSH D030342.
Spastic ataxia 2. Also called: Ataxia, spastic, 2, autosomal recessive. Identifiers: Orphanet 397946, MedGen C1969796, MONDO:0012651, OMIM 611302.

Allele frequency attached by ClinVar (database versions not stated): ExAC 0.00002; TOPMed 0.00001.
gnomAD v4.1: 25 of 1,614,082 alleles (0.0015%); highest among the groups gnomAD compares: Non-Finnish European, 0.0019%; no homozygotes.

Submissions (2):

Labcorp Genetics (formerly Invitae), Labcorp
Classification: Uncertain significance for Spastic ataxia 2. Last evaluated: 2023-12-07. Review status: criteria provided, single submitter. Criteria: Invitae Variant Classification Sherloc (09022015). Collection method: clinical testing. Allele origin: germline.
Comment: This sequence change replaces arginine, which is basic and polar, with histidine, which is basic and polar, at codon 318 of the KIF1C protein (p.Arg318His). This variant is present in population databases (rs776654539, gnomAD 0.003%). This variant has not been reported in the literature in individuals affected with KIF1C-related conditions. ClinVar contains an entry for this variant (Variation ID: 2061982). Advanced modeling of protein sequence and biophysical properties (such as structural, functional, and spatial information, amino acid conservation, physicochemical variation, residue mobility, and thermodynamic stability) performed at Invitae indicates that this missense variant is not expected to disrupt KIF1C protein function with a negative predictive value of 80%. In summary, the available evidence is currently insufficient to determine the role of this variant in disease. Therefore, it has been classified as a Variant of Uncertain Significance.

Ambry Genetics
Classification: Uncertain significance for Inborn genetic diseases. Last evaluated: 2022-11-07. Review status: criteria provided, single submitter. Criteria: Ambry Variant Classification Scheme 2023. Collection method: clinical testing. Allele origin: germline.